The following is an entry in ClinVar:

ClinVar aggregate classification (germline): Uncertain significance (1 of 4 stars; one submission).

Conditions:
Hypertrophic cardiomyopathy 26. Also called: Cardiomyopathy, familial hypertrophic, 26. Identifiers: Orphanet 75249, MedGen C4310749, MONDO:0014883, OMIM 617047.
Myofibrillar myopathy 5. Also called: FILAMINOPATHY, AUTOSOMAL DOMINANT; Filaminopathy (type). Identifiers: Orphanet 171445, MedGen C1836050, MONDO:0012289, OMIM 609524.
Distal myopathy with posterior leg and anterior hand involvement. Also called: WILLIAMS DISTAL MYOPATHY. Identifiers: Orphanet 63273, MedGen C3279722, MONDO:0013550, OMIM 614065.

Submission:

Labcorp Genetics (formerly Invitae), Labcorp
Classification: Uncertain significance for Distal myopathy with posterior leg and anterior hand involvement; Myofibrillar myopathy 5; Hypertrophic cardiomyopathy 26. Last evaluated: 2022-08-09. Review status: criteria provided, single submitter. Criteria: Invitae Variant Classification Sherloc (09022015). Collection method: clinical testing. Allele origin: germline.
Comment: This variant is not present in population databases (gnomAD no frequency). This sequence change replaces threonine, which is neutral and polar, with asparagine, which is neutral and polar, at codon 396 of the FLNC protein (p.Thr396Asn). This variant has not been reported in the literature in individuals affected with FLNC-related conditions. ClinVar contains an entry for this variant (Variation ID: 1407068). Algorithms developed to predict the effect of missense changes on protein structure and function are either unavailable or do not agree on the potential impact of this missense change (SIFT: "Deleterious"; PolyPhen-2: "Probably Damaging"; Align-GVGD: "Class C0"). In summary, the available evidence is currently insufficient to determine the role of this variant in disease. Therefore, it has been classified as a Variant of Uncertain Significance.

NM_001458.5(FLNC):c.1187C>A (p.Thr396Asn)

Gene: FLNC (filamin C; plus strand). Cytogenetic location: 7q32.1.
Variant type: single nucleotide variant.
Coding change: c.1187C>A on transcript NM_001458.5 (MANE Select); coding-DNA position 1187, C replaced by A.
Protein change: p.Thr396Asn; replaces threonine 396 with asparagine.
Molecular consequence: missense variant.
Genome position (GRCh38, 1-based): chr7:128,838,406, C>A. VCF-style: chr7-128838406-C-A. GRCh37 (hg19) VCF-style: chr7-128478460-C-A.
Other names: c.1187C>A, p.Thr396Asn (NM_001127487.2); short protein forms T396N.
Identifiers: ClinVar variation 1407068 (VCV001407068.6), dbSNP rs2128934429, ClinGen allele CA369224285.
Genomic context (GRCh38, chr7:128,838,406, plus strand): 5'-ACAAGGTGTCAGCCCGTGGCCCTGGCCTGGAACCTGTGGGCAATGTGGCCAACAAACCCA[C>A]CTACTTTGACATCTACACTGCGGGTAGGACGGGCCCCAGGGGGTGCAGGTGGAAAGCCCC-3'
Protein context (NP_001449.3, residues 386-406): EPVGNVANKP[Thr396Asn]YFDIYTAGAG